The following is an entry in ClinVar:

ClinVar aggregate classification (germline): Uncertain significance (1 of 4 stars; one submission).

Conditions:
Familial thoracic aortic aneurysm and aortic dissection (TAAD). Also called: Thoracic aortic aneurysms and dissections. Identifiers: Orphanet 91387, MedGen C4707243, MONDO:0019625.

Allele frequency attached by ClinVar (database versions not stated): gnomAD exomes below 0.00001.

Submission:

Color Diagnostics, LLC DBA Color Health
Classification: Uncertain significance for Familial thoracic aortic aneurysm and aortic dissection. Last evaluated: 2023-05-08. Review status: criteria provided, single submitter. Criteria: ACMG Guidelines, 2015. Collection method: clinical testing. Allele origin: germline.
Comment: This missense variant replaces glutamic acid with lysine at codon 41 of the MYH11 protein. Computational prediction is inconclusive regarding the impact of this variant on protein structure and function (internally defined REVEL score threshold 0.5 < inconclusive < 0.7, PMID: 27666373). To our knowledge, functional studies have not been reported for this variant. This variant has not been reported in individuals affected with MYH11-related disorders in the literature. This variant has not been identified in the general population by the Genome Aggregation Database (gnomAD). The available evidence is insufficient to determine the role of this variant in disease conclusively. Therefore, this variant is classified as a Variant of Uncertain Significance.

NM_002474.3(MYH11):c.121G>A (p.Glu41Lys)

Gene: MYH11 (myosin heavy chain 11; minus strand). Cytogenetic location: 16p13.11.
Variant type: single nucleotide variant.
Coding change: c.121G>A on transcript NM_002474.3 (MANE Select); coding-DNA position 121, G replaced by A.
Protein change: p.Glu41Lys; replaces glutamic acid 41 with lysine.
Molecular consequence: missense variant.
Genome position (GRCh38, 1-based): chr16:15,838,132, C>T on the plus strand (G>A on the coding strand, the complement: MYH11 is on the minus strand). VCF-style: chr16-15838132-C-T. GRCh37 (hg19) VCF-style: chr16-15931989-C-T.
Other names: c.121G>A, p.Glu41Lys (NM_001040113.2, NM_001040114.2, NM_022844.3); short protein forms E41K.
Identifiers: ClinVar variation 2773884 (VCV002773884.2), dbSNP rs2507038027, ClinGen allele CA395198638.